The following is an entry in ClinVar:

NM_001085487.3(MYSM1):c.1457T>C (p.Val486Ala)

Gene: MYSM1 (Myb like, SWIRM and MPN domains 1; minus strand). Cytogenetic location: 1p32.1.
Variant type: single nucleotide variant.
Coding change: c.1457T>C on transcript NM_001085487.3 (MANE Select); coding-DNA position 1457, T replaced by C.
Protein change: p.Val486Ala; replaces valine 486 with alanine.
Molecular consequence: missense variant.
Genome position (GRCh38, 1-based): chr1:58,675,514, A>G on the plus strand (T>C on the coding strand, the complement: MYSM1 is on the minus strand). VCF-style: chr1-58675514-A-G. GRCh37 (hg19) VCF-style: chr1-59141186-A-G.
Other names: short protein forms V486A.
Identifiers: ClinVar variation 4813153 (VCV004813153.1).

ClinVar aggregate classification (germline): Uncertain significance (1 of 4 stars; one submission).

Conditions:
Bone marrow failure syndrome 4. Identifiers: MedGen C4748257, MONDO:0020856, OMIM 618116.

Submission:

St. Jude Molecular Pathology, St. Jude Children's Research Hospital
Classification: Uncertain significance for Bone marrow failure syndrome 4. Last evaluated: 2026-02-11. Review status: criteria provided, single submitter. Criteria: St. Jude Assertion Criteria 2020. Collection method: clinical testing. Allele origin: germline.
Comment: The MYSM1 c.1457T>C p.(Val486Ala) missense change is absent in gnomAD v2.1.1. The in silico tool REVEL predicts a benign effect on protein function, but to our knowledge this prediction has not been confirmed by functional studies. To our knowledge, this variant has not been reported in the literature in individuals with MYSM1-related disease. In summary, the evidence currently available is insufficient to determine the clinical significance of this variant. It has therefore been classified as of uncertain significance.